The following is an entry in ClinVar:

NM_015046.7(SETX):c.6107-4A>G

Gene: SETX (senataxin; minus strand). Cytogenetic location: 9q34.13.
Variant type: single nucleotide variant.
Coding change: c.6107-4A>G on transcript NM_015046.7 (MANE Select); 4 bases into the intron before coding-DNA position 6107, A replaced by G.
Molecular consequence: intron variant.
Genome position (GRCh38, 1-based): chr9:132,288,655, T>C on the plus strand (A>G on the coding strand, the complement: SETX is on the minus strand). VCF-style: chr9-132288655-T-C. GRCh37 (hg19) VCF-style: chr9-135164042-T-C.
Other names: c.6107-4A>G (NM_001351528.2, NM_001351527.2).
Identifiers: ClinVar variation 3375624 (VCV003375624.1).

ClinVar aggregate classification (germline): Uncertain significance (1 of 4 stars; one submission).

gnomAD v4.1: 6 of 1,594,636 alleles (0.00038%); highest among the groups gnomAD compares: Admixed American, 0.005%; no homozygotes.

Submission:

GeneDx
Classification: Uncertain significance. Last evaluated: 2024-05-08. Review status: criteria provided, single submitter. Criteria: GeneDx Variant Classification Process June 2021. Collection method: clinical testing. Allele origin: germline. Affected: yes.
Comment: Not observed at significant frequency in large population cohorts (gnomAD); In silico analysis supports a deleterious effect on splicing; Has not been previously published as pathogenic or benign to our knowledge